The following is an entry in ClinVar:

ClinVar aggregate classification (germline): Conflicting classifications of pathogenicity. Review status: criteria provided, conflicting classifications (1 of 4 stars). 2 submissions from 2 submitters: Uncertain significance (1); Likely benign (1). Last evaluated 2024-05-01.

Conditions:
Focal segmental glomerulosclerosis 2 (FSGS2). Identifiers: Orphanet 656, MedGen C1858915, MONDO:0011390, OMIM 603965.

Allele frequency attached by ClinVar (database versions not stated): ExAC 0.00003; gnomAD exomes 0.00004; gnomAD 0.00005; TOPMed 0.00006.
gnomAD v4.1: 67 of 1,613,742 alleles (0.0042%); highest among the groups gnomAD compares: Admixed American, 0.033%; no homozygotes.

Submissions (2):

Fulgent Genetics
Classification: Likely benign for Focal segmental glomerulosclerosis 2. Last evaluated: 2024-05-01. Review status: criteria provided, single submitter. Criteria: ACMG Guidelines, 2015. Collection method: clinical testing. Allele origin: germline.

GeneDx
Classification: Uncertain significance. Last evaluated: 2023-02-09. Review status: criteria provided, single submitter. Criteria: GeneDx Variant Classification Process June 2021. Collection method: clinical testing. Allele origin: germline. Affected: yes.
Comment: In silico analysis supports that this missense variant has a deleterious effect on protein structure/function; Has not been previously published as pathogenic or benign to our knowledge

NM_004621.6(TRPC6):c.1094G>A (p.Arg365His)

Gene: TRPC6 (transient receptor potential cation channel subfamily C member 6; minus strand). Cytogenetic location: 11q22.1.
Variant type: single nucleotide variant.
Coding change: c.1094G>A on transcript NM_004621.6 (MANE Select); coding-DNA position 1094, G replaced by A.
Protein change: p.Arg365His; replaces arginine 365 with histidine.
Molecular consequence: missense variant.
Genome position (GRCh38, 1-based): chr11:101,491,590, C>T on the plus strand (G>A on the coding strand, the complement: TRPC6 is on the minus strand). VCF-style: chr11-101491590-C-T. GRCh37 (hg19) VCF-style: chr11-101362321-C-T.
Other names: short protein forms R365H.
Identifiers: ClinVar variation 2575851 (VCV002575851.2), dbSNP rs755825482, ClinGen allele CA6244409.